The following is an entry in ClinVar:

NM_001145319.2(PLS1):c.12TAC[4] (p.Thr7_Ile8insThr)

Gene: PLS1 (plastin 1; plus strand). Cytogenetic location: 3q23.
Variant type: Microsatellite.
Coding change: c.12TAC[4] on transcript NM_001145319.2 (MANE Select); four copies in a row of the 3-base unit TAC starting at c.12; the reference has three copies in a row; one copy, 3 bases duplicated.
Protein change: p.Thr7_Ile8insThr.
Molecular consequence: inframe insertion.
Genome position (GRCh38, 1-based): chr3:142,664,255-142,664,257, TAC duplicated; duplicating any 3 consecutive bases within chr3:142,664,249-142,664,257 gives the same sequence; the position shown is the placement nearest the transcript's 3' end. VCF-style (leftmost placement, unchanged base first): chr3-142664248-G-GTAC. GRCh37 (hg19) VCF-style: chr3-142383090-G-GTAC.
Other names: c.12TAC[4], p.Thr7_Ile8insThr (NM_001172312.2, NM_002670.3).
Identifiers: ClinVar variation 4075526 (VCV004075526.1).
Genomic context (GRCh38, chr3:142,664,248, plus strand): 5'-ATTGCTTTTTCTAGATATAAAGACCTGAAGATAGTCTTTTCTGTCCAAAGATGGAAAACA[G>GTAC]TACTACTACCATTTCTCGGGAGGAGCTTGAAGAACTACAAGAGGCATTTAATAAAATAGG-3'

ClinVar aggregate classification (germline): Uncertain significance (1 of 4 stars; one submission).

Submission:

GeneDx
Classification: Uncertain significance. Last evaluated: 2025-02-10. Review status: criteria provided, single submitter. Criteria: GeneDx Variant Classification Process June 2021. Collection method: clinical testing. Allele origin: germline. Affected: yes.
Comment: Not observed at significant frequency in large population cohorts (gnomAD); In-frame duplication of one amino acid in a non-repeat region; Has not been previously published as pathogenic or benign to our knowledge